The following is an entry in ClinVar:

ClinVar aggregate classification (germline): Uncertain significance. Review status: criteria provided, multiple submitters, no conflicts (2 of 4 stars). 2 submissions from 2 submitters: Uncertain significance (2). Last evaluated 2026-07-07.

Conditions:
Hereditary cancer-predisposing syndrome. Also called: Hereditary Cancer Syndrome; Tumor predisposition; Neoplastic Syndromes, Hereditary; Hereditary neoplastic syndrome. Identifiers: Orphanet 140162, MedGen C0027672, MeSH D009386, MONDO:0015356.
Familial adenomatous polyposis 1 (FAP1). Also called: POLYPOSIS, ADENOMATOUS INTESTINAL; FAMILIAL ADENOMATOUS POLYPOSIS 1, ATTENUATED. Identifiers: MedGen C2713442, MONDO:0021056, OMIM 175100. Disease mechanism: loss of function.

Submissions (2):

Ambry Genetics
Classification: Uncertain significance for Hereditary cancer-predisposing syndrome. Last evaluated: 2026-07-07. Review status: criteria provided, single submitter. Criteria: Ambry Variant Classification Scheme 2023. Collection method: clinical testing. Allele origin: germline.
Comment: The p.V1251G variant (also known as c.3752T>G), located in coding exon 15 of the APC gene, results from a T to G substitution at nucleotide position 3752. The valine at codon 1251 is replaced by glycine, an amino acid with dissimilar properties. This amino acid position is conserved. In addition, in silico predictors for this gene do not accurately predict pathogenicity. Based on the available evidence, the clinical significance of this variant remains unclear.

Labcorp Genetics (formerly Invitae), Labcorp
Classification: Uncertain significance for Familial adenomatous polyposis 1. Last evaluated: 2022-02-20. Review status: criteria provided, single submitter. Criteria: Invitae Variant Classification Sherloc (09022015). Collection method: clinical testing. Allele origin: germline.
Comment: This sequence change replaces valine, which is neutral and non-polar, with glycine, which is neutral and non-polar, at codon 1251 of the APC protein (p.Val1251Gly). In summary, the available evidence is currently insufficient to determine the role of this variant in disease. Therefore, it has been classified as a Variant of Uncertain Significance. Algorithms developed to predict the effect of sequence changes on RNA splicing suggest that this variant may create or strengthen a splice site. Algorithms developed to predict the effect of missense changes on protein structure and function are either unavailable or do not agree on the potential impact of this missense change (SIFT: "Deleterious"; PolyPhen-2: "Benign"; Align-GVGD: "Class C0"). This variant has not been reported in the literature in individuals affected with APC-related conditions. This variant is not present in population databases (gnomAD no frequency).

NM_000038.6(APC):c.3752T>G (p.Val1251Gly)

Gene: APC (APC regulator of Wnt signaling pathway; plus strand). Cytogenetic location: 5q22.2.
Variant type: single nucleotide variant.
Coding change: c.3752T>G on transcript NM_000038.6 (MANE Select); coding-DNA position 3752, T replaced by G.
Protein change: p.Val1251Gly; replaces valine 1251 with glycine.
Molecular consequence: missense variant.
Genome position (GRCh38, 1-based): chr5:112,839,346, T>G. VCF-style: chr5-112839346-T-G. GRCh37 (hg19) VCF-style: chr5-112175043-T-G.
Other names: c.3752T>G, p.Val1251Gly (NM_001127510.3, NM_001354895.2); c.3698T>G, p.Val1233Gly (NM_001127511.3); c.3806T>G, p.Val1269Gly (NM_001354896.2); c.3782T>G, p.Val1261Gly (NM_001354897.2); c.3677T>G, p.Val1226Gly (NM_001354898.2); c.3668T>G, p.Val1223Gly (NM_001354899.2); c.3629T>G, p.Val1210Gly (NM_001354900.2); c.3575T>G, p.Val1192Gly (NM_001354901.2); and 6 more; short protein forms V1160G, V1192G, V1210G, V1226G, V1251G, V1125G, V1261G, V1269G.
Identifiers: ClinVar variation 1524747 (VCV001524747.9), dbSNP rs756379352, ClinGen allele CA16029565.